The following is an entry in ClinVar:

ClinVar aggregate classification (germline): Likely benign (1 of 4 stars; one submission).

Allele frequency attached by ClinVar (database versions not stated): 1000 Genomes Project 0.00180; 1000 Genomes Project 30x 0.00203; gnomAD 0.00373; ESP Exome Variant Server 0.00392; TOPMed 0.00430; ExAC 0.00459; gnomAD exomes 0.00476.

Submission:

CeGaT Center for Human Genetics Tuebingen
Classification: Likely benign. Last evaluated: 2023-04-01. Review status: criteria provided, single submitter. Criteria: CeGaT Center For Human Genetics Tuebingen Variant Classification Criteria Version 2. Collection method: clinical testing. Allele origin: germline. Affected: yes. Observed: 2 variant alleles.
Comment: SCAF1: BS2

NM_021228.3(SCAF1):c.544G>A (p.Gly182Arg)

Gene: SCAF1 (SR-related CTD associated factor 1; plus strand). Cytogenetic location: 19q13.33.
Variant type: single nucleotide variant.
Coding change: c.544G>A on transcript NM_021228.3 (MANE Select); coding-DNA position 544, G replaced by A.
Protein change: p.Gly182Arg; replaces glycine 182 with arginine.
Molecular consequence: missense variant.
Genome position (GRCh38, 1-based): chr19:49,650,933, G>A. VCF-style: chr19-49650933-G-A. GRCh37 (hg19) VCF-style: chr19-50154190-G-A.
Other names: short protein forms G182R.
Identifiers: ClinVar variation 2650275 (VCV002650275.24), dbSNP rs151252460, ClinGen allele CA9579403.
Genomic context (GRCh38, chr19:49,650,933, plus strand): 5'-CCACAGTCGAACTCCTCTAGGCCCACCTGTGCCCGTCACCTCACCTTGGGCACGGGAGAC[G>A]GGGGCCCTGCCCCACCCCCTGCCCCCTCCTCTGCATCCTCCTCCCCTTCCCCTTCTCCCT-3'
Protein context (NP_067051.2, residues 172-192): ARHLTLGTGD[Gly182Arg]GPAPPPAPSS